The following is an entry in ClinVar:

NM_001394372.1(BICRA):c.3603C>G (p.Tyr1201Ter)

Gene: BICRA (BRD4 interacting chromatin remodeling complex associated protein; plus strand). Cytogenetic location: 19q13.33.
Variant type: single nucleotide variant.
Coding change: c.3603C>G on transcript NM_001394372.1 (MANE Select); coding-DNA position 3603, C replaced by G.
Protein change: p.Tyr1201Ter; replaces tyrosine 1201 with a stop codon.
Molecular consequence: nonsense.
Genome position (GRCh38, 1-based): chr19:47,701,335, C>G. VCF-style: chr19-47701335-C-G. GRCh37 (hg19) VCF-style: chr19-48204592-C-G.
Other names: c.3603C>G, p.Tyr1201Ter (NM_015711.3); short protein forms Y1201*.
Identifiers: ClinVar variation 3337854 (VCV003337854.2).

ClinVar aggregate classification (germline): Likely pathogenic (1 of 4 stars; one submission).

Submission:

Clinical Genetics Laboratory, Skane University Hospital Lund
Classification: Likely pathogenic. Last evaluated: 2022-06-28. Review status: criteria provided, single submitter. Criteria: ACMG Guidelines, 2015. Collection method: clinical testing. Allele origin: germline. Affected: yes.
Comment: ACMG criteria used: PS2 and PM2